The following is an entry in ClinVar:

NM_016169.4(SUFU):c.730A>C (p.Ile244Leu)

Gene: SUFU (SUFU negative regulator of hedgehog signaling; plus strand). Cytogenetic location: 10q24.32.
Variant type: single nucleotide variant.
Coding change: c.730A>C on transcript NM_016169.4 (MANE Select); coding-DNA position 730, A replaced by C.
Protein change: p.Ile244Leu; replaces isoleucine 244 with leucine.
Molecular consequence: missense variant.
Genome position (GRCh38, 1-based): chr10:102,594,039, A>C. VCF-style: chr10-102594039-A-C. GRCh37 (hg19) VCF-style: chr10-104353796-A-C.
Other names: c.730A>C, p.Ile244Leu (NM_001178133.2); short protein forms I244L.
Identifiers: ClinVar variation 5030403 (VCV005030403.1).
Genomic context (GRCh38, chr10:102,594,039, plus strand): 5'-TTCCTTGTCCACAGTGCTGGCGGCCCCTGGCTGATAACTGACATGCGGAGGGGAGAGACC[A>C]TATTTGAGATCGATCCACACCTGCAAGTATGTCTTGAGTGAGGAAAACCTTTCTAGCACC-3'
Protein context (NP_057253.2, residues 234-254): LITDMRRGET[Ile244Leu]FEIDPHLQER

ClinVar aggregate classification (germline): Uncertain significance (1 of 4 stars; one submission).

Conditions:
Hereditary cancer-predisposing syndrome. Also called: Neoplastic Syndromes, Hereditary; Tumor predisposition; Hereditary neoplastic syndrome; Hereditary Cancer Syndrome. Identifiers: Orphanet 140162, MedGen C0027672, MeSH D009386, MONDO:0015356.

gnomAD v4.1: 1 of 1,613,572 alleles (0.000062%); highest among the groups gnomAD compares: Non-Finnish European, 0.000085%; no homozygotes.

Submission:

Ambry Genetics
Classification: Uncertain significance for Hereditary cancer-predisposing syndrome. Last evaluated: 2026-07-07. Review status: criteria provided, single submitter. Criteria: Ambry Variant Classification Scheme 2023. Collection method: clinical testing. Allele origin: germline.
Comment: The p.I244L variant (also known as c.730A>C), located in coding exon 6 of the SUFU gene, results from an A to C substitution at nucleotide position 730. The isoleucine at codon 244 is replaced by leucine, an amino acid with highly similar properties. This amino acid position is conserved. In addition, the in silico prediction for this alteration is inconclusive. Based on the available evidence, the clinical significance of this variant remains unclear.